The following is an entry in ClinVar:

ClinVar aggregate classification (germline): Pathogenic. Review status: criteria provided, multiple submitters, no conflicts (2 of 4 stars). 3 submissions from 3 submitters: Pathogenic (3). Last evaluated 2025-12-24.

Conditions:
Hereditary cancer-predisposing syndrome. Also called: Neoplastic Syndromes, Hereditary; Tumor predisposition; Hereditary Cancer Syndrome; Hereditary neoplastic syndrome. Identifiers: Orphanet 140162, MedGen C0027672, MeSH D009386, MONDO:0015356.
Familial adenomatous polyposis 3. Also called: NTHL1-associated polyposis; NTHL1 Tumor Syndrome; NTHL1-Related Adenomatous Polyposis and Colorectal Cancer; NTHL1-related attenuated familial adenomatous polyposis. Identifiers: Orphanet 220460, Orphanet 454840, MedGen C4225157, MONDO:0014630, OMIM 616415.

Allele frequency attached by ClinVar (database versions not stated): gnomAD exomes below 0.00001.

Submissions (3):

Labcorp Genetics (formerly Invitae), Labcorp
Classification: Pathogenic. Last evaluated: 2025-12-24. Review status: criteria provided, single submitter. Criteria: Invitae Variant Classification Sherloc (09022015). Collection method: clinical testing. Allele origin: germline.
Comment: This sequence change creates a premature translational stop signal (p.Trp230*) in the NTHL1 gene. It is expected to result in an absent or disrupted protein product. Loss-of-function variants in NTHL1 are known to be pathogenic (PMID: 25938944, 26559593). This variant is not present in population databases (gnomAD no frequency). This variant has not been reported in the literature in individuals affected with NTHL1-related conditions. ClinVar contains an entry for this variant (Variation ID: 947857). For these reasons, this variant has been classified as Pathogenic.

Myriad Genetics, Inc.
Classification: Pathogenic for Familial adenomatous polyposis 3. Last evaluated: 2025-04-22. Review status: criteria provided, single submitter. Criteria: Myriad Autosomal Dominant, Autosomal Recessive and X-Linked Classification Criteria (2023). Collection method: clinical testing. Allele origin: unknown.
Comment: This variant is considered pathogenic. This variant creates a termination codon and is predicted to result in premature protein truncation.

Ambry Genetics
Classification: Pathogenic for Hereditary cancer-predisposing syndrome. Last evaluated: 2025-02-13. Review status: criteria provided, single submitter. Criteria: Ambry Variant Classification Scheme 2023. Collection method: clinical testing. Allele origin: germline.
Comment: The p.W230* pathogenic mutation (also known as c.689G>A), located in coding exon 4 of the NTHL1 gene, results from a G to A substitution at nucleotide position 689. This changes the amino acid from a tryptophan to a stop codon within coding exon 4. This variant is considered to be rare based on population cohorts in the Genome Aggregation Database (gnomAD). This alteration is expected to result in loss of function by premature protein truncation or nonsense-mediated mRNA decay. As such, this alteration is interpreted as a disease-causing mutation.

Literature cited by the submitters: PubMed 25938944 (cited by Labcorp Genetics (formerly Invitae), Labcorp); PubMed 26559593 (cited by Labcorp Genetics (formerly Invitae), Labcorp).

NM_002528.7(NTHL1):c.665G>A (p.Trp222Ter)

Gene: NTHL1 (nth like DNA glycosylase 1; minus strand). Cytogenetic location: 16p13.3.
Variant type: single nucleotide variant.
Coding change: c.665G>A on transcript NM_002528.7 (MANE Select); coding-DNA position 665, G replaced by A.
Protein change: p.Trp222Ter; replaces tryptophan 222 with a stop codon.
Molecular consequence: nonsense.
Genome position (GRCh38, 1-based): chr16:2,043,587, C>T on the plus strand (G>A on the coding strand, the complement: NTHL1 is on the minus strand). VCF-style: chr16-2043587-C-T. GRCh37 (hg19) VCF-style: chr16-2093588-C-T.
Other names: c.494G>A, p.Trp165Ter (NM_001318193.2); c.335G>A, p.Trp112Ter (NM_001318194.2); c.689G>A (NM_002528.5); short protein forms W112*, W222*, W165*.
Identifiers: ClinVar variation 947857 (VCV000947857.9), dbSNP rs2084297946, ClinGen allele CA394290951.